The following is an entry in ClinVar:

NM_138368.5(AP5B1):c.2569C>T (p.Arg857Trp)

Gene: AP5B1 (adaptor related protein complex 5 subunit beta 1; minus strand). Cytogenetic location: 11q13.1.
Variant type: single nucleotide variant.
Coding change: c.2569C>T on transcript NM_138368.5 (MANE Select); coding-DNA position 2569, C replaced by T.
Protein change: p.Arg857Trp; replaces arginine 857 with tryptophan.
Molecular consequence: missense variant.
Genome position (GRCh38, 1-based): chr11:65,777,924, G>A on the plus strand (C>T on the coding strand, the complement: AP5B1 is on the minus strand). VCF-style: chr11-65777924-G-A. GRCh37 (hg19) VCF-style: chr11-65545395-G-A.
Other names: NC_000011.9:g.65545395G>A I NP_612377.4:p.(Arg857Trp); short protein forms R857W.
Identifiers: ClinVar variation 2460265 (VCV002460265.4), dbSNP rs775687962, ClinGen allele CA6107887.

ClinVar aggregate classification (germline): Uncertain significance. Review status: criteria provided, multiple submitters, no conflicts (2 of 4 stars). 2 submissions from 2 submitters: Uncertain significance (2). Last evaluated 2026-06-01.

Conditions:
Macular dystrophy with variable extraocular manifestations.

Allele frequency attached by ClinVar (database versions not stated): gnomAD 0.00005; TOPMed 0.00009; ExAC 0.00023.
gnomAD v4.1: 205 of 1,562,232 alleles (0.013%); highest among the groups gnomAD compares: Non-Finnish European, 0.016%; no homozygotes.

Submissions (2):

Ophthalmic Genetics Group, Institute of Molecular and Clinical Ophthalmology Basel
Classification: Uncertain significance for Macular dystrophy with variable extraocular manifestations. Last evaluated: 2026-06-01. Review status: criteria provided, single submitter. Criteria: ACMG Guidelines, 2015. Collection method: research. Allele origin: germline. Affected: yes. Observed: 1 variant allele.
Comment: This missense variant replaces an arginine residue with tryptophan at amino acid position 857. It is predicted to be deleterious by CADD, whereas the VEST4 prediction provides more limited support for a damaging effect. No effect on splicing is predicted. The variant has a low population frequency in gnomAD v4.1, with no homozygous individuals reported. Based on the currently available evidence, it was classified as a Variant of uncertain significance according to ACMG/AMP criteria: PM3_mod, PM2_sup, PP4_sup.

Ambry Genetics
Classification: Uncertain significance. Last evaluated: 2025-10-21. Review status: criteria provided, single submitter. Criteria: Ambry Variant Classification Scheme 2023. Collection method: clinical testing. Allele origin: germline.